The following is an entry in ClinVar:

NM_001005242.3(PKP2):c.1252del (p.Ala418fs)

Gene: PKP2 (plakophilin 2; minus strand). Cytogenetic location: 12p11.21.
Variant type: Deletion.
Coding change: c.1252del on transcript NM_001005242.3 (MANE Select); coding-DNA position 1252, one base deleted (G; older notation c.1252delG).
Protein change: p.Ala418fs; shifts the reading frame from alanine 418.
Molecular consequence: frameshift variant.
Genome position (GRCh38, 1-based): chr12:32,850,892, C deleted on the plus strand (G on the coding strand, the reverse complement: PKP2 is on the minus strand); the first of 4 consecutive C bases (chr12:32,850,892-32,850,895); deleting any one gives the same sequence. VCF-style (leftmost placement, unchanged base first): chr12-32850891-GC-G. GRCh37 (hg19) VCF-style: chr12-33003825-GC-G.
Other names: c.1252del, p.Ala418fs (NM_004572.4); c.1252delG (NM_004572.3); short protein forms A418fs.
Identifiers: ClinVar variation 464409 (VCV000464409.8), dbSNP rs1555145509, ClinGen allele CA658658129.

ClinVar aggregate classification (germline): Pathogenic/Likely pathogenic. Review status: criteria provided, multiple submitters, no conflicts (2 of 4 stars). 2 submissions from 2 submitters: Pathogenic (1); Likely pathogenic (1). Last evaluated 2018-07-06.

Conditions:
Arrhythmogenic right ventricular dysplasia 9 (ARVD9). Also called: Arrhythmogenic Right Ventricular Dysplasia/Cardiomyopathy 9; ARRHYTHMOGENIC RIGHT VENTRICULAR DYSPLASIA, FAMILIAL, 9. Identifiers: MedGen C1836906, MONDO:0012180, OMIM 609040.

Submissions (2):

Labcorp Genetics (formerly Invitae), Labcorp
Classification: Pathogenic for Arrhythmogenic right ventricular dysplasia 9. Last evaluated: 2018-07-06. Review status: criteria provided, single submitter. Criteria: Invitae Variant Classification Sherloc (09022015). Collection method: clinical testing. Allele origin: germline.
Comment: For these reasons, this variant has been classified as Pathogenic. While this particular variant has not been reported in the literature, loss-of-function variants in PKP2 are known to be pathogenic (PMID: 15489853). This sequence change deletes 1 nucleotide from exon 5 of the PKP2 mRNA (c.1252delG), causing a frameshift at codon 418. This creates a premature translational stop signal (p.Ala418Profs*2) and is expected to result in an absent or disrupted protein product.

GeneDx
Classification: Likely pathogenic. Last evaluated: 2018-01-29. Review status: criteria provided, single submitter. Criteria: GeneDx Variant Classification (06012015). Collection method: clinical testing. Allele origin: germline. Affected: yes.
Comment: Although the c.1252delG likely pathogenic variant in the PKP2 gene has not been reported to our knowledge, this variant causes a shift in reading frame starting at codon alanine 418, changing it to a proline, and creating a premature stop codon at position 2 of the new reading frame, denoted p.Ala418ProfsX2. This variant is expected to result in either an abnormal, truncated protein product or loss of protein from this allele through nonsense-mediated mRNA decay. Multiple other downstream frameshift variants in the PKP2 gene have been reported in Human Gene Mutation Database in association with ARVC (Stenson et al., 2014), indicating that loss of function is a mechanism of disease for this gene. Furthermore, the c.1252delG variant has not been observed in large population cohorts (Lek et al., 2016).Therefore, this variant is likely pathogenic.

Literature cited by the submitters: PubMed 15489853 (cited by Labcorp Genetics (formerly Invitae), Labcorp).